The following is an entry in ClinVar:

ClinVar aggregate classification (germline): Uncertain significance (1 of 4 stars; one submission).

Allele frequency attached by ClinVar (database versions not stated): ExAC 0.00001; gnomAD 0.00001; TOPMed 0.00001; ESP Exome Variant Server 0.00008.
gnomAD v4.1: 2 of 1,614,120 alleles (0.00012%); highest among the groups gnomAD compares: Non-Finnish European, 0.00017%; no homozygotes.

Submission:

GeneDx
Classification: Uncertain significance. Last evaluated: 2022-07-07. Review status: criteria provided, single submitter. Criteria: GeneDx Variant Classification Process June 2021. Collection method: clinical testing. Allele origin: germline. Affected: yes.
Comment: Not observed at significant frequency in large population cohorts (gnomAD); In silico analysis supports that this missense variant does not alter protein structure/function; Has not been previously published as pathogenic or benign to our knowledge

NM_000141.5(FGFR2):c.1001T>A (p.Phe334Tyr)

Gene: FGFR2 (fibroblast growth factor receptor 2; minus strand). Cytogenetic location: 10q26.13.
Variant type: single nucleotide variant.
Coding change: c.1001T>A on transcript NM_000141.5 (MANE Select); coding-DNA position 1001, T replaced by A.
Protein change: p.Phe334Tyr; replaces phenylalanine 334 with tyrosine.
Molecular consequence: missense variant. On other transcripts: non-coding transcript variant (1), intron variant (5).
Genome position (GRCh38, 1-based): chr10:121,517,402, A>T on the plus strand (T>A on the coding strand, the complement: FGFR2 is on the minus strand). VCF-style: chr10-121517402-A-T. GRCh37 (hg19) VCF-style: chr10-123276916-A-T.
Other names: c.734T>A, p.Phe245Tyr (NM_001144915.2, NM_023029.3); c.656T>A, p.Phe219Tyr (NM_001144916.2, NM_001144918.2); c.317T>A, p.Phe106Tyr (NM_001320654.2); c.1001T>A, p.Phe334Tyr (NM_001320658.2); c.749-2083T>A (NM_001144914.1); c.939+2577T>A (NM_001144917.2); c.1087+1280T>A (NM_022970.4, NM_001144913.1); c.820+1280T>A (NM_001144919.2); short protein forms F245Y, F334Y, F106Y, F219Y.
Identifiers: ClinVar variation 1810425 (VCV001810425.1), dbSNP rs372612885, ClinGen allele CA5720879.